The following is an entry in ClinVar:

ClinVar aggregate classification (germline): Likely pathogenic (1 of 4 stars; one submission).

Conditions:
Dilated cardiomyopathy 1G (CMD1G). Identifiers: Orphanet 154, MedGen C1858763, MONDO:0011400, OMIM 604145.
Autosomal recessive limb-girdle muscular dystrophy type 2J (LGMDR10). Also called: Limb-girdle muscular dystrophy, type 2J; MUSCULAR DYSTROPHY, LIMB-GIRDLE, AUTOSOMAL RECESSIVE 10. Identifiers: Orphanet 140922, MedGen C1837342, MONDO:0012127, OMIM 608807.

Submission:

Labcorp Genetics (formerly Invitae), Labcorp
Classification: Likely pathogenic for Dilated cardiomyopathy 1G; Autosomal recessive limb-girdle muscular dystrophy type 2J. Last evaluated: 2024-07-24. Review status: criteria provided, single submitter. Criteria: Invitae Variant Classification Sherloc (09022015). Collection method: clinical testing. Allele origin: germline.
Comment: This sequence change creates a premature translational stop signal (p.Ala19793Glnfs*12) in the TTN gene. While this is not anticipated to result in nonsense mediated decay, it is expected to create a truncated TTN protein. This variant is not present in population databases (gnomAD no frequency). This variant has not been reported in the literature in individuals affected with TTN-related conditions. This variant is located in the A band of TTN (PMID: 25589632). Truncating variants in this region are significantly overrepresented in patients affected with dilated cardiomyopathy (PMID: 25589632). Truncating variants in this region have also been reported in individuals affected with autosomal recessive centronuclear myopathy (PMID: 23975875). In summary, the currently available evidence indicates that the variant is pathogenic, but additional data are needed to prove that conclusively. Therefore, this variant has been classified as Likely Pathogenic.

Literature cited by the submitters: PubMed 25589632; PubMed 23975875.

NM_001267550.2(TTN):c.59377del (p.Ala19793fs)

Genes: TTN (titin; minus strand), TTN-AS1 (TTN antisense RNA 1; plus strand), LOC126806424 (CDK7 strongly-dependent group 2 enhancer GRCh37_chr2:179456337-179457536; plus strand). Cytogenetic location: 2q31.2.
Variant type: Deletion.
Coding change: c.59377del on transcript NM_001267550.2 (MANE Select); coding-DNA position 59377, one base deleted (G; older notation c.59377delG).
Protein change: p.Ala19793fs; shifts the reading frame from alanine 19793.
Molecular consequence: frameshift variant.
Genome position (GRCh38, 1-based): chr2:178,592,628, C deleted on the plus strand (G on the coding strand, the reverse complement: TTN is on the minus strand); the first of 2 consecutive C bases (chr2:178,592,628-178,592,629); deleting either gives the same sequence. VCF-style (leftmost placement, unchanged base first): chr2-178592627-GC-G. GRCh37 (hg19) VCF-style: chr2-179457354-GC-G.
Other names: c.54454del, p.Ala18152fs (NM_001256850.1); c.32182del, p.Ala10728fs (NM_003319.4); c.51673del, p.Ala17225fs (NM_133378.4); c.32557del, p.Ala10853fs (NM_133432.3); c.32758del, p.Ala10920fs (NM_133437.4); short protein forms A10728fs, A10853fs, A10920fs, A17225fs, A18152fs, A19793fs.
Identifiers: ClinVar variation 3757376 (VCV003757376.2).
Genomic context (GRCh38, chr2:178,592,627, plus strand): 5'-ACTCCTTTGATGATGGCACTAAGTCTTAGAGTATCACCAACTTTAATGTGTTGTTCTCTT[GC>G]CATGTTGGCATCAAGAATCAACTCAGGGGGTTCTAGAATAAAGAGAACAGAACACTCAGA-3'